The following is an entry in ClinVar:

NM_012062.5(DNM1L):c.620-3C>G

Gene: DNM1L (dynamin 1 like; plus strand). Cytogenetic location: 12p11.21.
Variant type: single nucleotide variant.
Coding change: c.620-3C>G on transcript NM_012062.5 (MANE Select); 3 bases into the intron before coding-DNA position 620, C replaced by G.
Molecular consequence: intron variant.
Genome position (GRCh38, 1-based): chr12:32,718,640, C>G. VCF-style: chr12-32718640-C-G. GRCh37 (hg19) VCF-style: chr12-32871574-C-G.
Other names: c.659-3C>G (NM_001278464.2, NM_001278465.2, NM_001330380.2); c.132-2024C>G (NM_001278466.2); c.620-3C>G (NM_001278463.2, NM_012063.4, NM_005690.5).
Identifiers: ClinVar variation 3375654 (VCV003375654.1).
Genomic context (GRCh38, chr12:32,718,640, plus strand): 5'-AGTTGTATTTAATGGATCATTTTCTTTCTTTTCTTTGCCCTTTTTTCTTTTTGCATTTAC[C>G]AGGTCGCAGAACCCTAGCTGTAATCACTAAACTTGATCTCATGGATGCGGGTACTGATGC-3'

ClinVar aggregate classification (germline): Uncertain significance (1 of 4 stars; one submission).

Submission:

GeneDx
Classification: Uncertain significance. Last evaluated: 2024-05-10. Review status: criteria provided, single submitter. Criteria: GeneDx Variant Classification Process June 2021. Collection method: clinical testing. Allele origin: germline. Affected: yes.
Comment: Not observed at significant frequency in large population cohorts (gnomAD); Has not been previously published as pathogenic or benign to our knowledge; In silico analysis is inconclusive as to whether the variant alters gene splicing. In the absence of RNA/functional studies, the actual effect of this sequence change is unknown.